The following is an entry in ClinVar:

ClinVar aggregate classification (germline): Likely benign. Review status: criteria provided, multiple submitters, no conflicts (2 of 4 stars). 2 submissions from 2 submitters: Likely benign (2). Last evaluated 2023-03-29.

Allele frequency attached by ClinVar (database versions not stated): gnomAD 0.00001; gnomAD exomes 0.00002; TOPMed 0.00003; ExAC 0.00006.
gnomAD v4.1: 36 of 1,540,212 alleles (0.0023%); highest among the groups gnomAD compares: Non-Finnish European, 0.0029%; no homozygotes.

Submissions (2):

Blueprint Genetics
Classification: Likely benign. Last evaluated: 2023-03-29. Review status: criteria provided, single submitter. Criteria: ACMG Guidelines, 2015. Collection method: clinical testing. Allele origin: germline.

CeGaT Center for Human Genetics Tuebingen
Classification: Likely benign. Last evaluated: 2022-07-01. Review status: criteria provided, single submitter. Criteria: CeGaT Center For Human Genetics Tuebingen Variant Classification Criteria Version 2. Collection method: clinical testing. Allele origin: germline. Affected: yes. Observed: 1 variant allele.
Comment: SETD1B: BP4, BP7

NM_001353345.2(SETD1B):c.144C>T (p.Tyr48=)

Gene: SETD1B (SET domain containing 1B, histone lysine methyltransferase; plus strand). Cytogenetic location: 12q24.31.
Variant type: single nucleotide variant.
Coding change: c.144C>T on transcript NM_001353345.2 (MANE Select); coding-DNA position 144, C replaced by T.
Protein change: p.Tyr48=; no amino-acid change (tyrosine 48 retained).
Molecular consequence: synonymous variant.
Genome position (GRCh38, 1-based): chr12:121,804,881, C>T. VCF-style: chr12-121804881-C-T. GRCh37 (hg19) VCF-style: chr12-122242787-C-T.
Identifiers: ClinVar variation 2643416 (VCV002643416.25), dbSNP rs764034236, ClinGen allele CA6838741.